The following is an entry in ClinVar:

ClinVar aggregate classification (germline): Uncertain significance (1 of 4 stars; one submission).

Submission:

GeneDx
Classification: Uncertain significance. Last evaluated: 2019-05-06. Review status: criteria provided, single submitter. Criteria: GeneDx Variant Classification Process June 2021. Collection method: clinical testing. Allele origin: germline. Affected: yes.
Comment: Not observed in large population cohorts (Lek et al., 2016); Frameshift variant predicted to result in nonsense mediated decay in a gene for which loss-of-function is not a known mechanism of disease; Has not been previously published as pathogenic or benign to our knowledge

NM_018117.12(WDR11):c.488_491del (p.Ser163fs)

Gene: WDR11 (WD repeat domain 11; plus strand). Cytogenetic location: 10q26.12.
Variant type: Microsatellite.
Coding change: c.488_491del on transcript NM_018117.12 (MANE Select); coding-DNA positions 488 to 491, 4 bases deleted (CTTT; older notation c.488_491delCTTT).
Protein change: p.Ser163fs; shifts the reading frame from serine 163.
Molecular consequence: frameshift variant.
Genome position (GRCh38, 1-based): chr10:120,860,244-120,860,247, CTTT deleted; deleting any 4 consecutive bases within chr10:120,860,238-120,860,247 gives the same sequence; the c. name uses the placement nearest the transcript's 3' end. VCF-style (leftmost placement, unchanged base first): chr10-120860237-ATTCT-A. GRCh37 (hg19) VCF-style: chr10-122619749-ATTCT-A.
Other names: short protein forms S163fs.
Identifiers: ClinVar variation 1305435 (VCV001305435.2), dbSNP rs2133735191, ClinGen allele CA2574691128.